The following is an entry in ClinVar:

NM_001710.5(CFB):c.94C>T (p.Arg32Trp)

Gene: CFB (complement factor B; plus strand). Cytogenetic location: 6p21.33.
Variant type: single nucleotide variant.
Coding change: c.94C>T on transcript NM_001710.5; coding-DNA position 94, C replaced by T.
Protein change: p.Arg32Trp; replaces arginine 32 with tryptophan.
Molecular consequence: missense variant (on NM_001710.6).
Genome position (GRCh38, 1-based): chr6:31,946,402, C>T. VCF-style: chr6-31946402-C-T. GRCh37 (hg19) VCF-style: chr6-31914179-C-T.
Other names: R8W; c.94C>T, p.Arg32Trp (NM_001710.6); short protein forms R32W.
Identifiers: ClinVar variation 16076 (VCV000016076.24), dbSNP rs12614, ClinGen allele CA126181.

ClinVar aggregate classification (germline): Benign/Likely benign. Review status: criteria provided, multiple submitters, no conflicts (2 of 4 stars). 11 submissions from 11 submitters: Benign (6); Likely benign (3). 2 of the submissions do not count toward it. Last evaluated 2026-02-04.

Conditions:
Atypical hemolytic-uremic syndrome with B factor anomaly. Also called: HEMOLYTIC UREMIC SYNDROME, ATYPICAL, SUSCEPTIBILITY TO, 4; AHUS, SUSCEPTIBILITY TO, 4. Identifiers: Orphanet 2134, MedGen C2752038, MONDO:0013042, OMIM 612924.
Factor B fast/slow polymorphism.
CFB-related disorder. Also called: CFB-related disorders; CFB-related condition.
Complement factor b deficiency. Identifiers: MedGen C3809950, MONDO:0014255, OMIM 615561.
Age related macular degeneration 14. Also called: MACULAR DEGENERATION, AGE-RELATED, 14, REDUCED RISK OF. Identifiers: MedGen C3809653, MONDO:0014207, OMIM 615489.
Atypical hemolytic-uremic syndrome. Identifiers: Orphanet 2134, MedGen C2931788, MONDO:0016244.
Focal segmental glomerulosclerosis (FSGS). Also called: Glomerulosclerosis, focal; Focal sclerosis with hyalinosis. Identifiers: MedGen C0017668, MONDO:0100313, HP:0000097. Disease mechanism: loss of function.

Allele frequency attached by ClinVar (database versions not stated): gnomAD 0.17113 and 0.17324; TOPMed 0.17457; 1000 Genomes Project 0.19010; 1000 Genomes Project 30x 0.19597.
gnomAD v4.1: 175,694 of 1,612,892 alleles (11%); highest among the groups gnomAD compares: African/African-American, 33%; 13,042 homozygotes.

Submissions (11):

Labcorp Genetics (formerly Invitae), Labcorp
Classification: Benign. Last evaluated: 2026-02-04. Review status: criteria provided, single submitter. Criteria: Invitae Variant Classification Sherloc (09022015). Collection method: clinical testing. Allele origin: germline.

Women's Health and Genetics/Laboratory Corporation of America, LabCorp
Classification: Likely benign. Last evaluated: 2026-01-21. Review status: criteria provided, single submitter. Criteria: LabCorp Variant Classification Summary - May 2015. Collection method: clinical testing. Allele origin: germline.

Genomenon, Inc
Classification: Benign for Atypical hemolytic-uremic syndrome. Last evaluated: 2025-09-26. Review status: criteria provided, single submitter. Criteria: Genomenon Sequence Variant Interpretation Standards - Updated. Collection method: curation. Allele origin: germline. Affected: no.
Comment: CFB p.Arg32Trp (c.94C>T) is a missense variant that changes the amino acid at residue 32 from Arginine to Tryptophan. This variant is present at high allele frequency in population databases. In conclusion, we classify CFB p.Arg32Trp (c.94C>T) as a benign variant.

Blueprint Genetics
Classification: Likely benign. Last evaluated: 2024-11-26. Review status: criteria provided, single submitter. Criteria: ACMG Guidelines, 2015. Collection method: clinical testing. Allele origin: germline.

Mayo Clinic Laboratories, Mayo Clinic
Classification: Benign. Last evaluated: 2022-09-28. Review status: criteria provided, single submitter. Criteria: ACMG Guidelines, 2015. Collection method: clinical testing. Allele origin: germline. Observed: 940 variant alleles.
Comment: BA1

Genome Diagnostics Laboratory, The Hospital for Sick Children
Classification: Benign for Focal segmental glomerulosclerosis. Last evaluated: 2022-09-27. Review status: criteria provided, single submitter. Criteria: ACMG Guidelines, 2015. Collection method: clinical testing. Allele origin: germline.

Fulgent Genetics
Classification: Likely benign for Atypical hemolytic-uremic syndrome with B factor anomaly; Age related macular degeneration 14; Complement factor b deficiency. Last evaluated: 2022-05-09. Review status: criteria provided, single submitter. Criteria: ACMG Guidelines, 2015. Collection method: clinical testing. Allele origin: unknown.

GeneDx
Classification: Benign. Last evaluated: 2021-06-09. Review status: criteria provided, single submitter. Criteria: GeneDx Variant Classification Process June 2021. Collection method: clinical testing. Allele origin: germline. Affected: yes.
Comment: This variant is associated with the following publications: (PMID: 21541267, 19255449, 19009711, 28173125, 33334325)

Illumina Laboratory Services, Illumina
Classification: Benign for Atypical hemolytic-uremic syndrome with B factor anomaly. Last evaluated: 2017-04-27. Review status: criteria provided, single submitter. Criteria: ICSL Variant Classification Criteria 13 December 2019. Collection method: clinical testing. Allele origin: germline.
Comment: This variant was observed as part of a predisposition screen in an ostensibly healthy population. A literature search was performed for the gene, cDNA change, and amino acid change (where applicable). No publications were found based on this search. Allele frequency data from public databases was too high to be consistent with this variant causing disease. Therefore, this variant is classified as benign.

PreventionGenetics, part of Exact Sciences
Classification: Benign for CFB-related condition. Last evaluated: 2019-07-02. Review status: no assertion criteria provided. Collection method: clinical testing. Allele origin: germline. Not counted in ClinVar's aggregate classification.
Comment: This variant is classified as benign based on ACMG/AMP sequence variant interpretation guidelines (Richards et al. 2015 PMID: 25741868, with internal and published modifications).

OMIM
Classification: Benign for FACTOR B FAST-SLOW POLYMORPHISM. Last evaluated: 2013-10-28. Review status: no assertion criteria provided. Collection method: literature only. Allele origin: germline. Not counted in ClinVar's aggregate classification.